The following is an entry in ClinVar:

ClinVar aggregate classification (germline): Uncertain significance (1 of 4 stars; one submission).

Conditions:
Hereditary cancer-predisposing syndrome. Also called: Neoplastic Syndromes, Hereditary; Tumor predisposition; Hereditary neoplastic syndrome; Hereditary Cancer Syndrome. Identifiers: Orphanet 140162, MedGen C0027672, MeSH D009386, MONDO:0015356.

gnomAD v4.1: 1 of 1,614,240 alleles (0.000062%); highest among the groups gnomAD compares: East Asian, 0.0022%; no homozygotes.

Submission:

Ambry Genetics
Classification: Uncertain significance for Hereditary cancer-predisposing syndrome. Last evaluated: 2025-03-26. Review status: criteria provided, single submitter. Criteria: Ambry Variant Classification Scheme 2023. Collection method: clinical testing. Allele origin: germline.
Comment: The p.V836M variant (also known as c.2506G>A), located in coding exon 15 of the ALK gene, results from a G to A substitution at nucleotide position 2506. The valine at codon 836 is replaced by methionine, an amino acid with highly similar properties. This amino acid position is conserved. In addition, this alteration is predicted to be tolerated by in silico analysis. Based on the available evidence, the clinical significance of this variant remains unclear.

NM_004304.5(ALK):c.2506G>A (p.Val836Met)

Gene: ALK (ALK receptor tyrosine kinase; minus strand). Cytogenetic location: 2p23.2.
Variant type: single nucleotide variant.
Coding change: c.2506G>A on transcript NM_004304.5 (MANE Select); coding-DNA position 2506, G replaced by A.
Protein change: p.Val836Met; replaces valine 836 with methionine.
Molecular consequence: missense variant.
Genome position (GRCh38, 1-based): chr2:29,232,430, C>T on the plus strand (G>A on the coding strand, the complement: ALK is on the minus strand). VCF-style: chr2-29232430-C-T. GRCh37 (hg19) VCF-style: chr2-29455296-C-T.
Other names: short protein forms V836M.
Identifiers: ClinVar variation 4040359 (VCV004040359.1).